The following is an entry in ClinVar:

NM_001365276.2(TNXB):c.9911A>G (p.Gln3304Arg)

Gene: TNXB (tenascin XB; minus strand). Cytogenetic location: 6p21.33.
Variant type: single nucleotide variant.
Coding change: c.9911A>G on transcript NM_001365276.2 (MANE Select); coding-DNA position 9911, A replaced by G.
Protein change: p.Gln3304Arg; replaces glutamine 3304 with arginine.
Molecular consequence: missense variant.
Genome position (GRCh38, 1-based): chr6:32,048,497, T>C on the plus strand (A>G on the coding strand, the complement: TNXB is on the minus strand). VCF-style: chr6-32048497-T-C. GRCh37 (hg19) VCF-style: chr6-32016274-T-C.
Other names: c.10652A>G, p.Gln3551Arg (NM_001428335.1); c.9905A>G, p.Gln3302Arg (NM_019105.8); short protein forms Q3302R, Q3551R, Q3304R.
Identifiers: ClinVar variation 3809334 (VCV003809334.1).
Genomic context (GRCh38, chr6:32,048,497, plus strand): 5'-CGGGCCGGGTCCAGCCCCGAGACGGCGACCGCTCGGAGGTCTCCGCTCACAGGCACTGCC[T>C]GGGGCTGCCCCTGCGCGTCCCTGTACTGTACCAGGAAGGAGTCAAAGGGGCCCTGGGCCA-3'
Protein context (NP_001352205.1, residues 3294-3314): VQYRDAQGQP[Gln3304Arg]AVPVSGDLRA

ClinVar aggregate classification (germline): Uncertain significance (1 of 4 stars; one submission).

Conditions:
Cardiovascular phenotype. Identifiers: MedGen CN230736.

gnomAD v4.1: 3 of 1,602,226 alleles (0.00019%); highest among the groups gnomAD compares: Non-Finnish European, 0.00026%; no homozygotes.

Submission:

Ambry Genetics
Classification: Uncertain significance for Cardiovascular phenotype. Last evaluated: 2025-01-16. Review status: criteria provided, single submitter. Criteria: Ambry Variant Classification Scheme 2023. Collection method: clinical testing. Allele origin: germline.
Comment: The p.Q3302R variant (also known as c.9905A>G), located in coding exon 28 of the TNXB gene, results from an A to G substitution at nucleotide position 9905. The glutamine at codon 3302 is replaced by arginine, an amino acid with highly similar properties. This amino acid position is conserved. In addition, this alteration is predicted to be tolerated by in silico analysis. Based on the available evidence, the clinical significance of this variant remains unclear.